The following is an entry in ClinVar:

ClinVar aggregate classification (germline): Uncertain significance. Review status: criteria provided, multiple submitters, no conflicts (2 of 4 stars). 2 submissions from 2 submitters: Uncertain significance (2). Last evaluated 2017-07-10.

Conditions:
Cardiovascular phenotype. Identifiers: MedGen CN230736.

Submissions (2):

GeneDx
Classification: Uncertain significance. Last evaluated: 2017-07-10. Review status: criteria provided, single submitter. Criteria: GeneDx Variant Classification (06012015). Collection method: clinical testing. Allele origin: germline. Affected: yes.
Comment: A variant of uncertain significance has been identified in the ANK2 gene. The M922I variant has not been published as pathogenic or been reported as benign to our knowledge. This variant is not observed in large population cohorts (Lek et al., 2016; 1000 Genomes Consortium et al., 2015; Exome Variant Server). However, the M922I variant is a conservative amino acid substitution, which is not likely to impact secondary protein structure as these residues share similar properties. This substitution occurs at a position where amino acids with similar properties to methionine (M) are tolerated across species and where isoleucine (I) is present as the wild type in multiple species. Finally, in silico analysis predicts this variant likely does not alter the protein structure/function.

Ambry Genetics
Classification: Uncertain significance for Cardiovascular phenotype. Last evaluated: 2017-06-22. Review status: criteria provided, single submitter. Criteria: Ambry Variant Classification Scheme 2023. Collection method: clinical testing. Allele origin: germline.
Comment: The p.M922I variant (also known as c.2766G>A), located in coding exon 25 of the ANK2 gene, results from a G to A substitution at nucleotide position 2766. The methionine at codon 922 is replaced by isoleucine, an amino acid with highly similar properties. This amino acid position is poorly conserved in available vertebrate species, and isoleucine is the reference amino acid in other vertebrate species. In addition, this alteration is predicted to be tolerated by in silico analysis. Since supporting evidence is limited at this time, the clinical significance of this alteration remains unclear.

NM_001148.6(ANK2):c.2766G>A (p.Met922Ile)

Gene: ANK2 (ankyrin 2; plus strand). Cytogenetic location: 4q26.
Variant type: single nucleotide variant.
Coding change: c.2766G>A on transcript NM_001148.6 (MANE Select); coding-DNA position 2766, G replaced by A.
Protein change: p.Met922Ile; replaces methionine 922 with isoleucine.
Molecular consequence: missense variant.
Genome position (GRCh38, 1-based): chr4:113,317,779, G>A. VCF-style: chr4-113317779-G-A. GRCh37 (hg19) VCF-style: chr4-114238935-G-A.
Other names: c.2703G>A, p.Met901Ile (NM_001127493.3, NM_001354243.2, NM_001354255.2 and 3 more transcripts); c.2778G>A, p.Met926Ile (NM_001354225.2); c.2766G>A, p.Met922Ile (NM_001354228.2, NM_001354232.2, NM_001354258.2 and 1 more transcripts); c.2808G>A, p.Met936Ile (NM_001354230.2, NM_001354231.2, NM_001354237.2 and 1 more transcripts); c.2763G>A, p.Met921Ile (NM_001354235.2, NM_001354236.2, NM_001354246.2 and 1 more transcripts); c.2700G>A, p.Met900Ile (NM_001354239.2, NM_001354244.2, NM_001354252.2 and 3 more transcripts); c.2811G>A, p.Met937Ile (NM_001354240.2, NM_001354241.2, NM_001386144.1); c.2667G>A, p.Met889Ile (NM_001354245.2, NM_001354268.2); and 17 more; short protein forms M901I, M922I, M131I, M827I, M889I, M900I, M921I, M851I.
Identifiers: ClinVar variation 450296 (VCV000450296.6), dbSNP rs748939338, ClinGen allele CA357930748.